The following is an entry in ClinVar:

NM_001367624.2(ZNF469):c.2855A>G (p.Lys952Arg)

Gene: ZNF469 (zinc finger protein 469; plus strand). Cytogenetic location: 16q24.2.
Variant type: single nucleotide variant.
Coding change: c.2855A>G on transcript NM_001367624.2 (MANE Select); coding-DNA position 2855, A replaced by G.
Protein change: p.Lys952Arg; replaces lysine 952 with arginine.
Molecular consequence: missense variant.
Genome position (GRCh38, 1-based): chr16:88,430,325, A>G. VCF-style: chr16-88430325-A-G. GRCh37 (hg19) VCF-style: chr16-88496733-A-G.
Other names: short protein forms K952R.
Identifiers: ClinVar variation 4853122 (VCV004853122.1).

ClinVar aggregate classification (germline): Uncertain significance (1 of 4 stars; one submission).

gnomAD v4.1: 1 of 1,515,114 alleles (0.000066%); no homozygotes.

Submission:

Women's Health and Genetics/Laboratory Corporation of America, LabCorp
Classification: Uncertain significance. Last evaluated: 2026-05-13. Review status: criteria provided, single submitter. Criteria: LabCorp Variant Classification Summary - May 2015. Collection method: clinical testing. Allele origin: germline.
Comment: Variant summary: ZNF469 c.2855A>G (p.Lys952Arg) results in a conservative amino acid change in the encoded protein sequence. Algorithms developed to predict the effect of missense changes on protein structure and function are either unavailable or do not agree on the potential impact of this missense change. The variant was absent in 114970 control chromosomes. The available data on variant occurrences in the general population are insufficient to allow any conclusion about variant significance. To our knowledge, no occurrence of c.2855A>G in individuals affected with ZNF469-related conditions and no experimental evidence demonstrating its impact on protein function have been reported. No submitters have cited clinical-significance assessments for this variant to ClinVar. Based on the evidence outlined above, the variant was classified as uncertain significance.